The following is an entry in ClinVar:

NM_006147.4(IRF6):c.47C>T (p.Ala16Val)

Gene: IRF6 (interferon regulatory factor 6; minus strand). Cytogenetic location: 1q32.2.
Variant type: single nucleotide variant.
Coding change: c.47C>T on transcript NM_006147.4 (MANE Select); coding-DNA position 47, C replaced by T.
Protein change: p.Ala16Val; replaces alanine 16 with valine.
Molecular consequence: missense variant. On other transcripts: intron variant (1).
Genome position (GRCh38, 1-based): chr1:209,801,367, G>A on the plus strand (C>T on the coding strand, the complement: IRF6 is on the minus strand). VCF-style: chr1-209801367-G-A. GRCh37 (hg19) VCF-style: chr1-209974712-G-A.
Other names: c.-112+4580C>T (NM_001206696.2); short protein forms A16V.
Identifiers: ClinVar variation 3759025 (VCV003759025.2).

ClinVar aggregate classification (germline): Uncertain significance (1 of 4 stars; one submission).

Conditions:
Van der Woude syndrome. Identifiers: Orphanet 888, MedGen C0175697, MONDO:0019508.
Popliteal pterygium syndrome (PPS). Identifiers: Orphanet 294963, MedGen C0265259, MONDO:0017435.
Orofacial cleft 6, susceptibility to (OFC6). Also called: CLEFT LIP WITH OR WITHOUT CLEFT PALATE, NONSYNDROMIC, 6. Identifiers: MedGen C1837213, MONDO:0012141, OMIM 608864.

Submission:

Labcorp Genetics (formerly Invitae), Labcorp
Classification: Uncertain significance for Orofacial cleft 6, susceptibility to; Van der Woude syndrome; Popliteal pterygium syndrome. Last evaluated: 2024-07-02. Review status: criteria provided, single submitter. Criteria: Invitae Variant Classification Sherloc (09022015). Collection method: clinical testing. Allele origin: germline.
Comment: This sequence change replaces alanine, which is neutral and non-polar, with valine, which is neutral and non-polar, at codon 16 of the IRF6 protein (p.Ala16Val). This variant is not present in population databases (gnomAD no frequency). This missense change has been observed in individuals with Van der Woude syndrome (PMID: 14757865; Invitae). Advanced modeling of protein sequence and biophysical properties (such as structural, functional, and spatial information, amino acid conservation, physicochemical variation, residue mobility, and thermodynamic stability) performed at Invitae indicates that this missense variant is expected to disrupt IRF6 protein function with a positive predictive value of 80%. In summary, the available evidence is currently insufficient to determine the role of this variant in disease. Therefore, it has been classified as a Variant of Uncertain Significance.

Literature cited by the submitters: PubMed 14757865.